The following is an entry in ClinVar:

NM_003235.5(TG):c.7450G>T (p.Asp2484Tyr)

Genes: SLA (Src like adaptor; minus strand), TG (thyroglobulin; plus strand). Cytogenetic location: 8q24.22.
Variant type: single nucleotide variant.
Coding change: c.7450G>T on transcript NM_003235.5 (MANE Select); coding-DNA position 7450, G replaced by T.
Protein change: p.Asp2484Tyr; replaces aspartic acid 2484 with tyrosine.
Molecular consequence: missense variant. On other transcripts: intron variant (4).
Genome position (GRCh38, 1-based): chr8:133,096,251, G>T. VCF-style: chr8-133096251-G-T. GRCh37 (hg19) VCF-style: chr8-134108495-G-T.
Other names: c.-264+6302C>A (NM_001282965.2); c.11+6302C>A (NM_001282964.2, NM_001045557.3); c.-319+6302C>A (NM_001045556.3); short protein forms D2484Y.
Identifiers: ClinVar variation 1317117 (VCV001317117.2), dbSNP rs766152332, ClinGen allele CA4885650.
Genomic context (GRCh38, chr8:133,096,251, plus strand): 5'-TTGCATCCAATGCAGCTCCTGGCCGTGAGTGGCCCTTTCCACTACTGGGGTCCTGTGATC[G>T]ATGGCCACTTCCTCCGTGAGCCTCCAGCCAGAGCACTGAAGAGGTCTTTATGGGTAGAGG-3'
Protein context (NP_003226.4, residues 2474-2494): GPFHYWGPVI[Asp2484Tyr]GHFLREPPAR

ClinVar aggregate classification (germline): Uncertain significance (1 of 4 stars; one submission).

gnomAD v4.1: 12 of 1,614,088 alleles (0.00074%); highest among the groups gnomAD compares: African/African-American, 0.012%; no homozygotes.

Submission:

GeneDx
Classification: Uncertain significance. Last evaluated: 2019-03-14. Review status: criteria provided, single submitter. Criteria: GeneDx Variant Classification Process June 2021. Collection method: clinical testing. Allele origin: germline. Affected: yes.
Comment: In silico analysis, which includes splice predictors and evolutionary conservation, supports a deleterious effect; Has not been previously published as pathogenic or benign to our knowledge